The following is an entry in ClinVar:

ClinVar aggregate classification (germline): Uncertain significance (1 of 4 stars; one submission).

Conditions:
Spinocerebellar ataxia, autosomal recessive 23. Also called: Autosomal recessive cerebellar ataxia - epilepsy - intellectual disability syndrome due to TUD deficiency. Identifiers: Orphanet 404493, MedGen C4750914, MONDO:0014846, OMIM 616949.

Allele frequency attached by ClinVar (database versions not stated): gnomAD 0.00001.
gnomAD v4.1: 1 of 1,614,144 alleles (0.000062%); highest among the groups gnomAD compares: Non-Finnish European, 0.000085%; no homozygotes.

Submission:

Baylor Genetics
Classification: Uncertain significance for Spinocerebellar ataxia, autosomal recessive 23. Last evaluated: 2019-09-06. Review status: criteria provided, single submitter. Criteria: ACMG Guidelines, 2015. Collection method: clinical testing. Allele origin: unknown. Affected: yes.
Comment: This variant was determined to be of uncertain significance according to ACMG Guidelines, 2015 [PMID:25741868].

NM_016614.3(TDP2):c.97G>T (p.Ala33Ser)

Genes: TDP2 (tyrosyl-DNA phosphodiesterase 2; minus strand), LOC113174982 (Sharpr-MPRA regulatory region 5933; plus strand). Cytogenetic location: 6p22.3.
Variant type: single nucleotide variant.
Coding change: c.97G>T on transcript NM_016614.3 (MANE Select); coding-DNA position 97, G replaced by T.
Protein change: p.Ala33Ser; replaces alanine 33 with serine.
Molecular consequence: missense variant.
Genome position (GRCh38, 1-based): chr6:24,666,766, C>A on the plus strand (G>T on the coding strand, the complement: TDP2 is on the minus strand). VCF-style: chr6-24666766-C-A. GRCh37 (hg19) VCF-style: chr6-24666994-C-A.
Other names: short protein forms A33S.
Identifiers: ClinVar variation 1030570 (VCV001030570.1), dbSNP rs760554150, ClinGen allele CA3658284.